The following is an entry in ClinVar:

NM_000124.4(ERCC6):c.1354T>C (p.Tyr452His)

Genes: ERCC6 (ERCC excision repair 6, chromatin remodeling factor; minus strand), PGBD3 (piggyBac transposable element derived 3; minus strand). Cytogenetic location: 10q11.23.
Variant type: single nucleotide variant.
Coding change: c.1354T>C on transcript NM_000124.4 (MANE Select); coding-DNA position 1354, T replaced by C.
Protein change: p.Tyr452His; replaces tyrosine 452 with histidine.
Molecular consequence: missense variant. On other transcripts: 5 prime UTR variant (1).
Genome position (GRCh38, 1-based): chr10:49,524,076, A>G on the plus strand (T>C on the coding strand, the complement: ERCC6 is on the minus strand). VCF-style: chr10-49524076-A-G. GRCh37 (hg19) VCF-style: chr10-50732122-A-G.
Other names: c.1354T>C, p.Tyr452His (NM_001277058.2, NM_001277059.2, NM_001346440.2); c.-51T>C (NM_170753.3); short protein forms Y452H.
Identifiers: ClinVar variation 2128255 (VCV002128255.1), dbSNP rs762176711, ClinGen allele CA5496342.

ClinVar aggregate classification (germline): Uncertain significance (1 of 4 stars; one submission).

Allele frequency attached by ClinVar (database versions not stated): gnomAD exomes below 0.00001; ExAC 0.00001; gnomAD 0.00001; TOPMed 0.00001.
gnomAD v4.1: 2 of 1,613,720 alleles (0.00012%); highest among the groups gnomAD compares: African/African-American, 0.0013%; no homozygotes.

Submission:

Labcorp Genetics (formerly Invitae), Labcorp
Classification: Uncertain significance. Last evaluated: 2022-04-20. Review status: criteria provided, single submitter. Criteria: Invitae Variant Classification Sherloc (09022015). Collection method: clinical testing. Allele origin: germline.
Comment: This sequence change replaces tyrosine, which is neutral and polar, with histidine, which is basic and polar, at codon 452 of the ERCC6 protein (p.Tyr452His). This variant is present in population databases (rs762176711, gnomAD 0.003%). This variant has not been reported in the literature in individuals affected with ERCC6-related conditions. Algorithms developed to predict the effect of missense changes on protein structure and function (SIFT, PolyPhen-2, Align-GVGD) all suggest that this variant is likely to be tolerated. In summary, the available evidence is currently insufficient to determine the role of this variant in disease. Therefore, it has been classified as a Variant of Uncertain Significance.